The following is an entry in ClinVar:

ClinVar aggregate classification (germline): Uncertain significance (1 of 4 stars; one submission).

Allele frequency attached by ClinVar (database versions not stated): TOPMed below 0.00001; gnomAD 0.00001; gnomAD exomes 0.00002.
gnomAD v4.1: 38 of 1,613,872 alleles (0.0024%); highest among the groups gnomAD compares: South Asian, 0.012%; no homozygotes.

Submission:

Labcorp Genetics (formerly Invitae), Labcorp
Classification: Uncertain significance. Last evaluated: 2024-11-05. Review status: criteria provided, single submitter. Criteria: Invitae Variant Classification Sherloc (09022015). Collection method: clinical testing. Allele origin: germline.
Comment: This sequence change replaces valine, which is neutral and non-polar, with isoleucine, which is neutral and non-polar, at codon 224 of the DNAJC17 protein (p.Val224Ile). This variant is present in population databases (no rsID available, gnomAD 0.006%). This variant has not been reported in the literature in individuals affected with DNAJC17-related conditions. ClinVar contains an entry for this variant (Variation ID: 1916760). An algorithm developed to predict the effect of missense changes on protein structure and function outputs the following: PolyPhen-2: "Benign". The isoleucine amino acid residue is found in multiple mammalian species, which suggests that this missense change does not adversely affect protein function. In summary, the available evidence is currently insufficient to determine the role of this variant in disease. Therefore, it has been classified as a Variant of Uncertain Significance.

NM_018163.3(DNAJC17):c.670G>A (p.Val224Ile)

Gene: DNAJC17 (DnaJ heat shock protein family (Hsp40) member C17; minus strand). Cytogenetic location: 15q15.1.
Variant type: single nucleotide variant.
Coding change: c.670G>A on transcript NM_018163.3 (MANE Select); coding-DNA position 670, G replaced by A.
Protein change: p.Val224Ile; replaces valine 224 with isoleucine.
Molecular consequence: missense variant.
Genome position (GRCh38, 1-based): chr15:40,774,367, C>T on the plus strand (G>A on the coding strand, the complement: DNAJC17 is on the minus strand). VCF-style: chr15-40774367-C-T. GRCh37 (hg19) VCF-style: chr15-41066565-C-T.
Other names: short protein forms V224I.
Identifiers: ClinVar variation 1916760 (VCV001916760.5), dbSNP rs868306657, ClinGen allele CA268855541.